The following is an entry in ClinVar:

ClinVar aggregate classification (germline): Benign/Likely benign. Review status: criteria provided, multiple submitters, no conflicts (2 of 4 stars). 5 submissions from 5 submitters: Benign (1); Likely benign (4). Last evaluated 2026-01-20.

Conditions:
Immunodeficiency 14 (IMD14A). Also called: Activated PI3K Delta Syndrome Type 1 (APDS1); IMMUNODEFICIENCY 14A WITH LYMPHOPROLIFERATION, AUTOSOMAL DOMINANT; ACTIVATED PI3K-DELTA SYNDROME 1; p110-DELTA-ACTIVATING MUTATION CAUSING SENESCENT T CELLS, LYMPHADENOPATHY, AND IMMUNODEFICIENCY. Identifiers: Orphanet 397596, Orphanet 693661, MedGen C5907821, MONDO:0014222, OMIM 615513.

Allele frequency attached by ClinVar (database versions not stated): 1000 Genomes Project 0.00020; 1000 Genomes Project 30x 0.00031; gnomAD 0.00034 and 0.00036; TOPMed 0.00036; ESP Exome Variant Server 0.00038.
gnomAD v4.1: 950 of 1,613,738 alleles (0.059%); highest among the groups gnomAD compares: Non-Finnish European, 0.074%; 1 homozygote.

Submissions (5):

Labcorp Genetics (formerly Invitae), Labcorp
Classification: Benign for Activated PI3K-delta syndrome. Last evaluated: 2026-01-20. Review status: criteria provided, single submitter. Criteria: Invitae Variant Classification Sherloc (09022015). Collection method: clinical testing. Allele origin: germline.

CeGaT Center for Human Genetics Tuebingen
Classification: Likely benign. Last evaluated: 2025-11-01. Review status: criteria provided, single submitter. Criteria: CeGaT Center For Human Genetics Tuebingen Variant Classification Criteria Version 2. Collection method: clinical testing. Allele origin: germline. Affected: yes. Observed: 1 variant allele.
Comment: PIK3CD: BP4, BP7

Mayo Clinic Laboratories, Mayo Clinic
Classification: Likely benign. Last evaluated: 2025-09-10. Review status: criteria provided, single submitter. Criteria: ACMG Guidelines, 2015. Collection method: clinical testing. Allele origin: germline. Observed: 1 variant allele.
Comment: BP4, BP7

Blueprint Genetics
Classification: Likely benign. Last evaluated: 2024-08-27. Review status: criteria provided, single submitter. Criteria: ACMG Guidelines, 2015. Collection method: clinical testing. Allele origin: germline.

ARUP Laboratories, Molecular Genetics and Genomics, ARUP Laboratories
Classification: Likely benign for Immunodeficiency 14. Last evaluated: 2020-02-25. Review status: criteria provided, single submitter. Criteria: ARUP Molecular Germline Variant Investigation Process. Collection method: clinical testing. Allele origin: germline.

NM_005026.5(PIK3CD):c.2094C>T (p.Phe698=)

Gene: PIK3CD (phosphatidylinositol-4,5-bisphosphate 3-kinase catalytic subunit delta; plus strand). Cytogenetic location: 1p36.22.
Variant type: single nucleotide variant.
Coding change: c.2094C>T on transcript NM_005026.5 (MANE Select); coding-DNA position 2094, C replaced by T.
Protein change: p.Phe698=; no amino-acid change (phenylalanine 698 retained).
Molecular consequence: synonymous variant.
Genome position (GRCh38, 1-based): chr1:9,722,013, C>T. VCF-style: chr1-9722013-C-T. GRCh37 (hg19) VCF-style: chr1-9782071-C-T.
Other names: p.Phe698=; c.2091C>T, p.Phe697= (NM_001350234.2); c.2007C>T, p.Phe669= (NM_001350235.1).
Identifiers: ClinVar variation 725424 (VCV000725424.26), dbSNP rs370548772, ClinGen allele CA577436.